The following is an entry in ClinVar:

NM_000236.3(LIPC):c.5A>T (p.Asp2Val)

Gene: LIPC (lipase C, hepatic type; plus strand). Cytogenetic location: 15q21.3.
Variant type: single nucleotide variant.
Coding change: c.5A>T on transcript NM_000236.3 (MANE Select); coding-DNA position 5, A replaced by T.
Protein change: p.Asp2Val; replaces aspartic acid 2 with valine.
Molecular consequence: missense variant.
Genome position (GRCh38, 1-based): chr15:58,432,037, A>T. VCF-style: chr15-58432037-A-T. GRCh37 (hg19) VCF-style: chr15-58724236-A-T.
Other names: short protein forms D2V.
Identifiers: ClinVar variation 2985171 (VCV002985171.3), dbSNP rs756402865, ClinGen allele CA7584664.

ClinVar aggregate classification (germline): Uncertain significance (1 of 4 stars; one submission).

Allele frequency attached by ClinVar (database versions not stated): gnomAD 0.00001; gnomAD exomes 0.00001; TOPMed 0.00001; ExAC 0.00007.
gnomAD v4.1: 21 of 1,613,216 alleles (0.0013%); highest among the groups gnomAD compares: Middle Eastern, 0.016%; 1 homozygote.

Submission:

Labcorp Genetics (formerly Invitae), Labcorp
Classification: Uncertain significance. Last evaluated: 2024-06-01. Review status: criteria provided, single submitter. Criteria: Invitae Variant Classification Sherloc (09022015). Collection method: clinical testing. Allele origin: germline.
Comment: This sequence change replaces aspartic acid, which is acidic and polar, with valine, which is neutral and non-polar, at codon 2 of the LIPC protein (p.Asp2Val). This variant is present in population databases (rs756402865, gnomAD 0.006%). This variant has not been reported in the literature in individuals affected with LIPC-related conditions. An algorithm developed to predict the effect of missense changes on protein structure and function (PolyPhen-2) suggests that this variant is likely to be tolerated. In summary, the available evidence is currently insufficient to determine the role of this variant in disease. Therefore, it has been classified as a Variant of Uncertain Significance.